The following is an entry in ClinVar:

NM_138704.4(NSMCE3):c.586A>G (p.Thr196Ala)

Genes: ENTREP2 (endosomal transmembrane epsin interactor 2; minus strand), NSMCE3 (NSE3 homolog, SMC5-SMC6 complex component; minus strand). Cytogenetic location: 15q13.1.
Variant type: single nucleotide variant.
Coding change: c.586A>G on transcript NM_138704.4 (MANE Select); coding-DNA position 586, A replaced by G.
Protein change: p.Thr196Ala; replaces threonine 196 with alanine.
Molecular consequence: missense variant. On other transcripts: intron variant (5).
Genome position (GRCh38, 1-based): chr15:29,269,120, T>C on the plus strand (A>G on the coding strand, the complement: NSMCE3 is on the minus strand). VCF-style: chr15-29269120-T-C. GRCh37 (hg19) VCF-style: chr15-29561324-T-C.
Other names: c.-12-16642A>G (NM_001387217.1, NM_001387215.1, NM_001387216.1); c.277-16642A>G (NM_001387214.1, NM_015307.2); short protein forms T196A.
Identifiers: ClinVar variation 1034263 (VCV001034263.3), dbSNP rs752251822, ClinGen allele CA7446097.
Genomic context (GRCh38, chr15:29,269,120, plus strand): 5'-AAATTAAATGCTTCTTGGTGGGGTAGACCCCTAAGCGCCGCAGAAAGTCCCAGGCTTCAG[T>C]TTCCTTGATGGTGTTGCCCTTCATAAAGATGAGCCCTAAGACGATCATCAGGAGGCCCGT-3'
Protein context (NP_619649.1, residues 186-206): IFMKGNTIKE[Thr196Ala]EAWDFLRRLG

ClinVar aggregate classification (germline): Uncertain significance. Review status: criteria provided, multiple submitters, no conflicts (2 of 4 stars). 2 submissions from 2 submitters: Uncertain significance (2). Last evaluated 2022-02-22.

Conditions:
Lung disease, immunodeficiency, and chromosome breakage syndrome;. Also called: Lung disease, immunodeficiency, and chromosome breakage syndrome. Identifiers: MedGen C4310653, MONDO:0014984, OMIM 617241.

Allele frequency attached by ClinVar (database versions not stated): ExAC 0.00001; gnomAD 0.00001; gnomAD exomes 0.00001; TOPMed 0.00001.
gnomAD v4.1: 15 of 1,614,030 alleles (0.00093%); highest among the groups gnomAD compares: Non-Finnish European, 0.00025%; no homozygotes.

Submissions (2):

Labcorp Genetics (formerly Invitae), Labcorp
Classification: Uncertain significance. Last evaluated: 2022-02-22. Review status: criteria provided, single submitter. Criteria: Invitae Variant Classification Sherloc (09022015). Collection method: clinical testing. Allele origin: germline.
Comment: This sequence change replaces threonine, which is neutral and polar, with alanine, which is neutral and non-polar, at codon 196 of the NSMCE3 protein (p.Thr196Ala). This variant is present in population databases (rs752251822, gnomAD 0.02%). This variant has not been reported in the literature in individuals affected with NSMCE3-related conditions. ClinVar contains an entry for this variant (Variation ID: 1034263). Algorithms developed to predict the effect of missense changes on protein structure and function (SIFT, PolyPhen-2, Align-GVGD) all suggest that this variant is likely to be tolerated. In summary, the available evidence is currently insufficient to determine the role of this variant in disease. Therefore, it has been classified as a Variant of Uncertain Significance.

Baylor Genetics
Classification: Uncertain significance for Lung disease, immunodeficiency, and chromosome breakage syndrome;. Last evaluated: 2018-03-22. Review status: criteria provided, single submitter. Criteria: ACMG Guidelines, 2015. Collection method: clinical testing. Allele origin: paternal. Affected: yes.
Comment: This variant was determined to be of uncertain significance according to ACMG Guidelines, 2015 [PMID:25741868].